The following is an entry in ClinVar:

NM_020708.5(SLC12A5):c.3062C>T (p.Pro1021Leu)

Gene: SLC12A5 (solute carrier family 12 member 5; plus strand). Cytogenetic location: 20q13.12.
Variant type: single nucleotide variant.
Coding change: c.3062C>T on transcript NM_020708.5 (MANE Select); coding-DNA position 3062, C replaced by T.
Protein change: p.Pro1021Leu; replaces proline 1021 with leucine.
Molecular consequence: missense variant.
Genome position (GRCh38, 1-based): chr20:46,056,516, C>T. VCF-style: chr20-46056516-C-T. GRCh37 (hg19) VCF-style: chr20-44685155-C-T.
Other names: c.3131C>T, p.Pro1044Leu (NM_001134771.2); short protein forms P1044L, P1021L.
Identifiers: ClinVar variation 852888 (VCV000852888.13), dbSNP rs1206199358, ClinGen allele CA409208064.
Genomic context (GRCh38, chr20:46,056,516, plus strand): 5'-CGGAGAAGGTGCATCTCACCTGGACCAAGGACAAGTCGGTGGCAGAGAAGAATAAGGGCC[C>T]CAGTCCTGTCTCCTCTGAGGGCATCAAGGACTTCTTCAGCATGAAGCCGTACGGGCCTGG-3'
Protein context (NP_065759.1, residues 1011-1031): DKSVAEKNKG[Pro1021Leu]SPVSSEGIKD

ClinVar aggregate classification (germline): Uncertain significance (1 of 4 stars; one submission).

Conditions:
Developmental and epileptic encephalopathy, 34 (DEE34). Also called: Early infantile epileptic encephalopathy 34; SLC12A5-Related Epilepsy of Infancy with Migrating Focal Seizures. Identifiers: Orphanet 293181, MedGen C4225257, MONDO:0014718, OMIM 616645.

Allele frequency attached by ClinVar (database versions not stated): gnomAD exomes below 0.00001; gnomAD 0.00001; TOPMed 0.00001.
gnomAD v4.1: 2 of 1,614,024 alleles (0.00012%); highest among the groups gnomAD compares: African/African-American, 0.0013%; no homozygotes.

Submission:

Labcorp Genetics (formerly Invitae), Labcorp
Classification: Uncertain significance for Developmental and epileptic encephalopathy, 34. Last evaluated: 2022-06-29. Review status: criteria provided, single submitter. Criteria: Invitae Variant Classification Sherloc (09022015). Collection method: clinical testing. Allele origin: germline.
Comment: In summary, the available evidence is currently insufficient to determine the role of this variant in disease. Therefore, it has been classified as a Variant of Uncertain Significance. Advanced modeling of protein sequence and biophysical properties (such as structural, functional, and spatial information, amino acid conservation, physicochemical variation, residue mobility, and thermodynamic stability) performed at Invitae indicates that this missense variant is not expected to disrupt SLC12A5 protein function. ClinVar contains an entry for this variant (Variation ID: 852888). This variant has not been reported in the literature in individuals affected with SLC12A5-related conditions. This variant is not present in population databases (gnomAD no frequency). This sequence change replaces proline, which is neutral and non-polar, with leucine, which is neutral and non-polar, at codon 1021 of the SLC12A5 protein (p.Pro1021Leu).